The following is an entry in ClinVar:

NM_020778.5(ALPK3):c.554T>C (p.Leu185Ser)

Gene: ALPK3 (alpha kinase 3; plus strand). Cytogenetic location: 15q25.3.
Variant type: single nucleotide variant.
Coding change: c.554T>C on transcript NM_020778.5 (MANE Select); coding-DNA position 554, T replaced by C.
Protein change: p.Leu185Ser; replaces leucine 185 with serine.
Molecular consequence: missense variant.
Genome position (GRCh38, 1-based): chr15:84,839,833, T>C. VCF-style: chr15-84839833-T-C. GRCh37 (hg19) VCF-style: chr15-85383064-T-C.
Other names: c.1160T>C (NM_020778.4); short protein forms L185S.
Identifiers: ClinVar variation 1950080 (VCV001950080.6), dbSNP rs1963636476, ClinGen allele CA393372880.

ClinVar aggregate classification (germline): Uncertain significance. Review status: criteria provided, multiple submitters, no conflicts (2 of 4 stars). 2 submissions from 2 submitters: Uncertain significance (2). Last evaluated 2025-12-31.

Conditions:
Cardiovascular phenotype. Identifiers: MedGen CN230736.

Allele frequency attached by ClinVar (database versions not stated): gnomAD exomes below 0.00001; TOPMed below 0.00001.
gnomAD v4.1: 1 of 1,614,006 alleles (0.000062%); highest among the groups gnomAD compares: Non-Finnish European, 0.000085%; no homozygotes.

Submissions (2):

Labcorp Genetics (formerly Invitae), Labcorp
Classification: Uncertain significance. Last evaluated: 2025-12-31. Review status: criteria provided, single submitter. Criteria: Invitae Variant Classification Sherloc (09022015). Collection method: clinical testing. Allele origin: germline.
Comment: This sequence change replaces leucine, which is neutral and non-polar, with serine, which is neutral and polar, at codon 387 of the ALPK3 protein (p.Leu387Ser). This variant is not present in population databases (gnomAD no frequency). This variant has not been reported in the literature in individuals affected with ALPK3-related conditions. ClinVar contains an entry for this variant (Variation ID: 1950080). Invitae Evidence Modeling of protein sequence and biophysical properties (such as structural, functional, and spatial information, amino acid conservation, physicochemical variation, residue mobility, and thermodynamic stability) indicates that this missense variant is expected to disrupt ALPK3 protein function with a positive predictive value of 80%. In summary, the available evidence is currently insufficient to determine the role of this variant in disease. Therefore, it has been classified as a Variant of Uncertain Significance.

Ambry Genetics
Classification: Uncertain significance for Cardiovascular phenotype. Last evaluated: 2025-04-16. Review status: criteria provided, single submitter. Criteria: Ambry Variant Classification Scheme 2023. Collection method: clinical testing. Allele origin: germline.
Comment: The p.L387S variant (also known as c.1160T>C), located in coding exon 5 of the ALPK3 gene, results from a T to C substitution at nucleotide position 1160. The leucine at codon 387 is replaced by serine, an amino acid with dissimilar properties. This amino acid position is well conserved in available vertebrate species. In addition, the in silico prediction for this alteration is inconclusive. Based on the available evidence, the clinical significance of this variant remains unclear.